The following is an entry in ClinVar:

ClinVar aggregate classification (germline): Uncertain significance (1 of 4 stars; one submission).

Conditions:
Immunodeficiency, common variable, 4. Also called: ANTIBODY DEFICIENCY DUE TO BAFFR DEFECT. Identifiers: Orphanet 1572, Orphanet 696925, MedGen C3150739, MONDO:0013284, OMIM 613494.

Submission:

Labcorp Genetics (formerly Invitae), Labcorp
Classification: Uncertain significance for Immunodeficiency, common variable, 4. Last evaluated: 2023-03-31. Review status: criteria provided, single submitter. Criteria: Invitae Variant Classification Sherloc (09022015). Collection method: clinical testing. Allele origin: germline.
Comment: In summary, the available evidence is currently insufficient to determine the role of this variant in disease. Therefore, it has been classified as a Variant of Uncertain Significance. An algorithm developed to predict the effect of missense changes on protein structure and function (PolyPhen-2) suggests that this variant is likely to be tolerated. This variant has not been reported in the literature in individuals affected with TNFRSF13C-related conditions. This variant is present in population databases (no rsID available, gnomAD 0.006%). This sequence change replaces glutamic acid, which is acidic and polar, with aspartic acid, which is acidic and polar, at codon 125 of the TNFRSF13C protein (p.Glu125Asp).

NM_052945.4(TNFRSF13C):c.375G>T (p.Glu125Asp)

Gene: TNFRSF13C (TNF receptor superfamily member 13C; minus strand). Cytogenetic location: 22q13.2.
Variant type: single nucleotide variant.
Coding change: c.375G>T on transcript NM_052945.4 (MANE Select); coding-DNA position 375, G replaced by T.
Protein change: p.Glu125Asp; replaces glutamic acid 125 with aspartic acid.
Molecular consequence: missense variant.
Genome position (GRCh38, 1-based): chr22:41,925,547, C>A on the plus strand (G>T on the coding strand, the complement: TNFRSF13C is on the minus strand). VCF-style: chr22-41925547-C-A. GRCh37 (hg19) VCF-style: chr22-42321551-C-A.
Other names: short protein forms E125D.
Identifiers: ClinVar variation 2914363 (VCV002914363.3), dbSNP rs371805226, ClinGen allele CA411762948.
Genomic context (GRCh38, chr22:41,925,547, plus strand): 5'-CCAGGCAGGAGCTGTGGCATCAGAGATTCCCGGAGACAGAATGATGACCTTGTCCAGGGG[C>A]TCTGGGGCTGCAGGCAGAGGGGGTAGAGGCTCCGTACTCAGTCACAGCCTTCCCTCCCTC-3'
Protein context (NP_443177.1, residues 115-135): EAPDGDKDAP[Glu125Asp]PLDKVIILSP